The following is an entry in ClinVar:

NM_004385.5(VCAN):c.2252C>T (p.Thr751Ile)

Gene: VCAN (versican; plus strand). Cytogenetic location: 5q14.3.
Variant type: single nucleotide variant.
Coding change: c.2252C>T on transcript NM_004385.5 (MANE Select); coding-DNA position 2252, C replaced by T.
Protein change: p.Thr751Ile; replaces threonine 751 with isoleucine.
Molecular consequence: missense variant. On other transcripts: intron variant (2).
Genome position (GRCh38, 1-based): chr5:83,520,558, C>T. VCF-style: chr5-83520558-C-T. GRCh37 (hg19) VCF-style: chr5-82816377-C-T.
Other names: c.2252C>T, p.Thr751Ile (NM_001164098.2); c.1042+8162C>T (NM_001164097.2, NM_001126336.3); short protein forms T751I.
Identifiers: ClinVar variation 1502270 (VCV001502270.6), dbSNP rs760966215, ClinGen allele CA3332817.

ClinVar aggregate classification (germline): Uncertain significance (1 of 4 stars; one submission).

Allele frequency attached by ClinVar (database versions not stated): gnomAD exomes below 0.00001; ExAC 0.00001; gnomAD 0.00003 and 0.00004; TOPMed 0.00005.
gnomAD v4.1: 7 of 1,613,900 alleles (0.00043%); highest among the groups gnomAD compares: African/African-American, 0.008%; no homozygotes.

Submission:

Labcorp Genetics (formerly Invitae), Labcorp
Classification: Uncertain significance. Last evaluated: 2024-09-30. Review status: criteria provided, single submitter. Criteria: Invitae Variant Classification Sherloc (09022015). Collection method: clinical testing. Allele origin: germline.
Comment: This sequence change replaces threonine, which is neutral and polar, with isoleucine, which is neutral and non-polar, at codon 751 of the VCAN protein (p.Thr751Ile). This variant is present in population databases (rs760966215, gnomAD 0.007%). This variant has not been reported in the literature in individuals affected with VCAN-related conditions. ClinVar contains an entry for this variant (Variation ID: 1502270). An algorithm developed to predict the effect of missense changes on protein structure and function (PolyPhen-2) suggests that this variant is likely to be tolerated. In summary, the available evidence is currently insufficient to determine the role of this variant in disease. Therefore, it has been classified as a Variant of Uncertain Significance.